The following is an entry in ClinVar:

ClinVar aggregate classification (germline): Likely benign. Review status: criteria provided, single submitter (1 of 4 stars). 2 submissions from 2 submitters: Likely benign (1). 1 of the submissions does not count toward it. Last evaluated 2025-05-11.

Conditions:
Dystonia 12 (DYT12). Also called: DYT-ATP1A3; Rapid-Onset Dystonia-Parkinsonism (RDP). Identifiers: Orphanet 71517, MedGen C1868681, MONDO:0007496, OMIM 128235.
ATP1A3-related disorder. Also called: ATP1A3-related condition; ATP1A3-related disorders. Identifiers: MedGen CN381097.

Allele frequency attached by ClinVar (database versions not stated): gnomAD 0.00001; TOPMed 0.00002; ESP Exome Variant Server 0.00008.
gnomAD v4.1: 60 of 1,613,762 alleles (0.0037%); highest among the groups gnomAD compares: Non-Finnish European, 0.005%; no homozygotes.

Submissions (2):

Labcorp Genetics (formerly Invitae), Labcorp
Classification: Likely benign for Dystonia 12. Last evaluated: 2025-05-11. Review status: criteria provided, single submitter. Criteria: Invitae Variant Classification Sherloc (09022015). Collection method: clinical testing. Allele origin: germline.

PreventionGenetics, part of Exact Sciences
Classification: Likely benign for ATP1A3-related condition. Last evaluated: 2024-04-03. Review status: no assertion criteria provided. Collection method: clinical testing. Allele origin: germline. Not counted in ClinVar's aggregate classification.
Comment: This variant is classified as likely benign based on ACMG/AMP sequence variant interpretation guidelines (Richards et al. 2015 PMID: 25741868, with internal and published modifications).

NM_152296.5(ATP1A3):c.1455C>T (p.Thr485=)

Gene: ATP1A3 (ATPase Na+/K+ transporting subunit alpha 3; minus strand). Cytogenetic location: 19q13.2.
Variant type: single nucleotide variant.
Coding change: c.1455C>T on transcript NM_152296.5 (MANE Select); coding-DNA position 1455, C replaced by T.
Protein change: p.Thr485=; no amino-acid change (threonine 485 retained).
Molecular consequence: synonymous variant.
Genome position (GRCh38, 1-based): chr19:41,978,781, G>A on the plus strand (C>T on the coding strand, the complement: ATP1A3 is on the minus strand). VCF-style: chr19-41978781-G-A. GRCh37 (hg19) VCF-style: chr19-42482933-G-A.
Other names: c.1488C>T, p.Thr496= (NM_001256213.2); c.1494C>T, p.Thr498= (NM_001256214.2); c.1494C>T (NM_001256214.1).
Identifiers: ClinVar variation 1118006 (VCV001118006.10), dbSNP rs372153087, ClinGen allele CA9467626.
Genomic context (GRCh38, chr19:41,978,781, plus strand): 5'-CAGGATGCGCTCGGGGGCACCCTTCATCACCAGCAGGTATCGGTTGTCGTTGGGGTCCTC[G>A]GTCTCATGGATGGAGAGCTGGGGACCGATCAGAGGGTGGCGTGCCTGAGCCACGCAGACA-3'
Protein context (NP_689509.1, residues 475-495): TNKYQLSIHE[Thr485=]EDPNDNRYLL